The following is an entry in ClinVar:

ClinVar aggregate classification (germline): Pathogenic (1 of 4 stars; one submission).

Submission:

Labcorp Genetics (formerly Invitae), Labcorp
Classification: Pathogenic. Last evaluated: 2021-07-21. Review status: criteria provided, single submitter. Criteria: Invitae Variant Classification Sherloc (09022015). Collection method: clinical testing. Allele origin: germline.
Comment: For these reasons, this variant has been classified as Pathogenic. This variant has not been reported in the literature in individuals affected with SPTB-related conditions. This variant is not present in population databases (ExAC no frequency). This sequence change creates a premature translational stop signal (p.Glu1777*) in the SPTB gene. It is expected to result in an absent or disrupted protein product. Loss-of-function variants in SPTB are known to be pathogenic (PMID: 8844207, 26830532, 27292444).

Literature cited by the submitters: PubMed 8844207; PubMed 26830532; PubMed 27292444.

NM_001355436.2(SPTB):c.5329G>T (p.Glu1777Ter)

Gene: SPTB (spectrin beta, erythrocytic; minus strand). Cytogenetic location: 14q23.3.
Variant type: single nucleotide variant.
Coding change: c.5329G>T on transcript NM_001355436.2 (MANE Select); coding-DNA position 5329, G replaced by T.
Protein change: p.Glu1777Ter; replaces glutamic acid 1777 with a stop codon.
Molecular consequence: nonsense.
Genome position (GRCh38, 1-based): chr14:64,772,804, C>A on the plus strand (G>T on the coding strand, the complement: SPTB is on the minus strand). VCF-style: chr14-64772804-C-A. GRCh37 (hg19) VCF-style: chr14-65239522-C-A.
Other names: c.5329G>T, p.Glu1777Ter (NM_001024858.4, NM_001355437.2); short protein forms E1777*.
Identifiers: ClinVar variation 1376530 (VCV001376530.6), dbSNP rs763816993, ClinGen allele CA390041163.
Genomic context (GRCh38, chr14:64,772,804, plus strand): 5'-AGGAGGCGGCCAGCAGCTGCATGCGCGTGTCAATGAGCTCCAGGAGGTCTGCCCACATCT[C>A]GTTCAGCCCGTCCTTCCACTCGGCGATGGTGGCCGCCTCGCTGTGGCCCGCGTCGATGAG-3'